The following is an entry in ClinVar:

NM_000088.4(COL1A1):c.436C>T (p.Pro146Ser)

Gene: COL1A1 (collagen type I alpha 1 chain; minus strand). Cytogenetic location: 17q21.33.
Variant type: single nucleotide variant.
Coding change: c.436C>T on transcript NM_000088.4 (MANE Select); coding-DNA position 436, C replaced by T.
Protein change: p.Pro146Ser; replaces proline 146 with serine.
Molecular consequence: missense variant.
Genome position (GRCh38, 1-based): chr17:50,199,261, G>A on the plus strand (C>T on the coding strand, the complement: COL1A1 is on the minus strand). VCF-style: chr17-50199261-G-A. GRCh37 (hg19) VCF-style: chr17-48276622-G-A.
Other names: short protein forms P146S.
Identifiers: ClinVar variation 2051809 (VCV002051809.6), dbSNP rs756846639, ClinGen allele CA8645702.
Genomic context (GRCh38, chr17:50,199,261, plus strand): 5'-GGACACACAAGGCCTCTCCACTTACTCCTCCGAGGCCAGGGGGTCCGGGAGGTCCGGGGG[G>A]TCCGGGGGGTCCGGGAAGTCCAGGCTGTCCAGGGATGCCATCTCGGCCAGGGGGGCCTGC-3'
Protein context (NP_000079.2, residues 136-156): GQPGLPGPPG[Pro146Ser]PGPPGPPGLG

ClinVar aggregate classification (germline): Conflicting classifications of pathogenicity. Review status: criteria provided, conflicting classifications (1 of 4 stars). 2 submissions from 2 submitters: Uncertain significance (1); Likely benign (1). Last evaluated 2025-07-30.

Conditions:
Osteogenesis imperfecta type I (OI1). Also called: Lobstein disease; Osteogenesis imperfecta type 1; Lobstein's Disease; OI, TYPE I; OSTEOGENESIS IMPERFECTA TARDA; OSTEOGENESIS IMPERFECTA WITH BLUE SCLERAE. Identifiers: Orphanet 216796, Orphanet 666, MedGen C0023931, MONDO:0008146, OMIM 166200. Disease mechanism: loss of function.

gnomAD v4.1: 27 of 1,499,434 alleles (0.0018%); highest among the groups gnomAD compares: Middle Eastern, 0.022%; no homozygotes.

Submissions (2):

Labcorp Genetics (formerly Invitae), Labcorp
Classification: Likely benign for Osteogenesis imperfecta type I. Last evaluated: 2025-07-30. Review status: criteria provided, single submitter. Criteria: Invitae Variant Classification Sherloc (09022015). Collection method: clinical testing. Allele origin: germline.

GeneDx
Classification: Uncertain significance. Last evaluated: 2024-12-04. Review status: criteria provided, single submitter. Criteria: GeneDx Variant Classification Process June 2021. Collection method: clinical testing. Allele origin: germline. Affected: yes.
Comment: Has not been previously published as pathogenic or benign to our knowledge; Not located in the triple helical region, where the majority of pathogenic missense variants occur (HGMD); In silico analysis indicates that this missense variant does not alter protein structure/function